The following is an entry in ClinVar:

NM_001009999.3(KDM1A):c.791G>T (p.Ser264Ile)

Gene: KDM1A (lysine demethylase 1A; plus strand). Cytogenetic location: 1p36.12.
Variant type: single nucleotide variant.
Coding change: c.791G>T on transcript NM_001009999.3 (MANE Select); coding-DNA position 791, G replaced by T.
Protein change: p.Ser264Ile; replaces serine 264 with isoleucine.
Molecular consequence: missense variant.
Genome position (GRCh38, 1-based): chr1:23,055,069, G>T. VCF-style: chr1-23055069-G-T. GRCh37 (hg19) VCF-style: chr1-23381562-G-T.
Other names: c.731G>T, p.Ser244Ile (NM_001363654.2, NM_001410763.1, NM_015013.4); c.791G>T, p.Ser264Ile (NM_001410762.1); short protein forms S244I, S264I.
Identifiers: ClinVar variation 4858707 (VCV004858707.1).
Genomic context (GRCh38, chr1:23,055,069, plus strand): 5'-GAAGAATATTGTTTAAACTGCTGAAAATAAAACCGTGTTTTTAATCCACTTATTCTGTAG[G>T]TGATACTGTGCTTGTCCACCGAGTTCACAGTTATTTAGAGCGTCATGGTCTTATCAACTT-3'
Protein context (NP_001009999.1, residues 254-274): TLQQLEAPYN[Ser264Ile]DTVLVHRVHS

ClinVar aggregate classification (germline): Uncertain significance (1 of 4 stars; one submission).

Conditions:
Inborn genetic diseases. Identifiers: MedGen C0950123, MeSH D030342.

Submission:

Ambry Genetics
Classification: Uncertain significance for Inborn genetic diseases. Last evaluated: 2026-04-02. Review status: criteria provided, single submitter. Criteria: Ambry Variant Classification Scheme 2023. Collection method: clinical testing. Allele origin: germline.
Comment: The p.S264I variant (also known as c.791G>T) is located in coding exon 6 of the KDM1A gene. The serine at codon 264 is replaced by isoleucine, an amino acid with dissimilar properties. This change occurs in the first base pair of coding exon 6. This amino acid position is conserved. In addition, the in silico prediction for this alteration is inconclusive. Based on the available evidence, the clinical significance of this variant remains unclear.